The following is an entry in ClinVar:

ClinVar aggregate classification (germline): Uncertain significance (1 of 4 stars; one submission).

Conditions:
Baraitser-winter syndrome 2. Identifiers: Orphanet 2995, MedGen C3281235, MONDO:0013812, OMIM 614583.
Autosomal dominant nonsyndromic hearing loss 20. Identifiers: Orphanet 90635, MedGen C1858172, MONDO:0011480, OMIM 604717.

Submission:

Labcorp Genetics (formerly Invitae), Labcorp
Classification: Uncertain significance for Baraitser-winter syndrome 2; Autosomal dominant nonsyndromic hearing loss 20. Last evaluated: 2024-09-22. Review status: criteria provided, single submitter. Criteria: Invitae Variant Classification Sherloc (09022015). Collection method: clinical testing. Allele origin: germline.
Comment: This sequence change replaces alanine, which is neutral and non-polar, with threonine, which is neutral and polar, at codon 230 of the ACTG1 protein (p.Ala230Thr). This variant is present in population databases (no rsID available, gnomAD 0.002%). This variant has not been reported in the literature in individuals affected with ACTG1-related conditions. Invitae Evidence Modeling of protein sequence and biophysical properties (such as structural, functional, and spatial information, amino acid conservation, physicochemical variation, residue mobility, and thermodynamic stability) indicates that this missense variant is not expected to disrupt ACTG1 protein function with a negative predictive value of 80%. In summary, the available evidence is currently insufficient to determine the role of this variant in disease. Therefore, it has been classified as a Variant of Uncertain Significance.

NM_001614.5(ACTG1):c.688G>A (p.Ala230Thr)

Gene: ACTG1 (actin gamma 1; minus strand). Cytogenetic location: 17q25.3.
Variant type: single nucleotide variant.
Coding change: c.688G>A on transcript NM_001614.5 (MANE Select); coding-DNA position 688, G replaced by A.
Protein change: p.Ala230Thr; replaces alanine 230 with threonine.
Molecular consequence: missense variant. On other transcripts: non-coding transcript variant (1).
Genome position (GRCh38, 1-based): chr17:81,511,302, C>T on the plus strand (G>A on the coding strand, the complement: ACTG1 is on the minus strand). VCF-style: chr17-81511302-C-T. GRCh37 (hg19) VCF-style: chr17-79478328-C-T.
Other names: c.688G>A, p.Ala230Thr (NM_001199954.3); short protein forms A230T.
Identifiers: ClinVar variation 3748715 (VCV003748715.2).